The following is an entry in ClinVar:

ClinVar aggregate classification (germline): Benign (1 of 4 stars; one submission).

Conditions:
Schnyder crystalline corneal dystrophy (SCCD). Also called: Crystalline corneal dystrophy; Schnyder corneal dystrophy. Identifiers: Orphanet 98967, MedGen C0271287, MONDO:0007374, OMIM 121800.

Allele frequency attached by ClinVar (database versions not stated): 1000 Genomes Project 30x 0.00312; TOPMed 0.00454; gnomAD exomes 0.00049; 1000 Genomes Project 0.00319; gnomAD 0.00415 and 0.00444.
gnomAD v4.1: 699 of 294,560 alleles (0.24%); highest among the groups gnomAD compares: African/African-American, 1.4%; 6 homozygotes.

Submission:

Illumina Laboratory Services, Illumina
Classification: Benign for Schnyder crystalline corneal dystrophy. Last evaluated: 2018-01-13. Review status: criteria provided, single submitter. Criteria: ICSL Variant Classification Criteria 13 December 2019. Collection method: clinical testing. Allele origin: germline.
Comment: This variant was observed in the ICSL laboratory as part of a predisposition screen in an ostensibly healthy population. It had not been previously curated by ICSL or reported in the Human Gene Mutation Database (HGMD: prior to June 1st, 2018), and was therefore a candidate for classification through an automated scoring system. Utilizing variant allele frequency, disease prevalence and penetrance estimates, and inheritance mode, an automated score was calculated to assess if this variant is too frequent to cause the disease. Based on the score and internal cut-off values, a variant classified as benign is not then subjected to further curation. The score for this variant resulted in a classification of benign for this disease.

NM_013319.3(UBIAD1):c.*420C>T

Gene: UBIAD1 (UbiA prenyltransferase domain containing 1; plus strand). Cytogenetic location: 1p36.22.
Variant type: single nucleotide variant.
Coding change: c.*420C>T on transcript NM_013319.3 (MANE Select); 420 bases downstream of the stop codon, C replaced by T.
Molecular consequence: 3 prime UTR variant. On other transcripts: intron variant (2).
Genome position (GRCh38, 1-based): chr1:11,286,551, C>T. VCF-style: chr1-11286551-C-T. GRCh37 (hg19) VCF-style: chr1-11346608-C-T.
Other names: c.618+819C>T (NM_001330349.2); c.530-8322C>T (NM_001330350.2).
Identifiers: ClinVar variation 291876 (VCV000291876.5), dbSNP rs112789142, ClinGen allele CA10607390.
Genomic context (GRCh38, chr1:11,286,551, plus strand): 5'-GTTTGGCCTCCTGTCCCGAAAAGACCCTAATAACTAGGCAGAGTGTTGTCCTGCTTTCTT[C>T]GTCTCGTAGGATGTGCTATGATTGGTGCCAGGCCTCACTAACACAGGGGCTACCTGTCTC-3'